The following is an entry in ClinVar:

ClinVar aggregate classification (germline): Likely benign (1 of 4 stars; one submission).

Allele frequency attached by ClinVar (database versions not stated): ExAC 0.00089; 1000 Genomes Project 30x 0.00219; 1000 Genomes Project 0.00240; TOPMed 0.00381; gnomAD 0.00677.
gnomAD v4.1: 8,552 of 1,394,230 alleles (0.61%); highest among the groups gnomAD compares: Non-Finnish European, 0.6%; 75 homozygotes.

Submission:

CeGaT Center for Human Genetics Tuebingen
Classification: Likely benign. Last evaluated: 2024-12-01. Review status: criteria provided, single submitter. Criteria: CeGaT Center For Human Genetics Tuebingen Variant Classification Criteria Version 2. Collection method: clinical testing. Allele origin: germline. Affected: yes. Observed: 2 variant alleles.
Comment: EMILIN2: BP4, BP7, BS2

NM_032048.3(EMILIN2):c.2481C>T (p.Pro827=)

Genes: EMILIN2 (elastin microfibril interfacer 2; plus strand), LOC130062088 (ATAC-STARR-seq lymphoblastoid silent region 9250; plus strand). Cytogenetic location: 18p11.31.
Variant type: single nucleotide variant.
Coding change: c.2481C>T on transcript NM_032048.3 (MANE Select); coding-DNA position 2481, C replaced by T.
Protein change: p.Pro827=; no amino-acid change (proline 827 retained).
Molecular consequence: synonymous variant.
Genome position (GRCh38, 1-based): chr18:2,906,904, C>T. VCF-style: chr18-2906904-C-T. GRCh37 (hg19) VCF-style: chr18-2906902-C-T.
Identifiers: ClinVar variation 2648521 (VCV002648521.24), dbSNP rs573985058, ClinGen allele CA8872392.